The following is an entry in ClinVar:

NM_000535.7(PMS2):c.1050T>C (p.Leu350=)

Gene: PMS2 (PMS1 homolog 2, mismatch repair system component; minus strand). Cytogenetic location: 7p22.1.
Variant type: single nucleotide variant.
Coding change: c.1050T>C on transcript NM_000535.7 (MANE Select); coding-DNA position 1050, T replaced by C.
Protein change: p.Leu350=; no amino-acid change (leucine 350 retained).
Molecular consequence: synonymous variant. On other transcripts: non-coding transcript variant (1), intron variant (10).
Genome position (GRCh38, 1-based): chr7:5,989,894, A>G on the plus strand (T>C on the coding strand, the complement: PMS2 is on the minus strand). VCF-style: chr7-5989894-A-G. GRCh37 (hg19) VCF-style: chr7-6029525-A-G.
Other names: c.645T>C, p.Leu215= (NM_001322003.2, NM_001322004.2, NM_001322005.2 and 16 more transcripts); c.732T>C, p.Leu244= (NM_001322007.2, NM_001322008.2, NM_001406876.1 and 2 more transcripts); c.117T>C, p.Leu39= (NM_001322011.2, NM_001322012.2); c.477T>C, p.Leu159= (NM_001322013.2, NM_001406909.1); c.1050T>C, p.Leu350= (NM_001322014.2, NM_001406871.1, NM_001406872.1); c.741T>C, p.Leu247= (NM_001322015.2, NM_001406875.1, NM_001406877.1 and 5 more transcripts); c.1236T>C, p.Leu412= (NM_001406866.1); c.1074T>C, p.Leu358= (NM_001406868.1); and 13 more.
Identifiers: ClinVar variation 3903464 (VCV003903464.2).

ClinVar aggregate classification (germline): Benign/Likely benign. Review status: criteria provided, multiple submitters, no conflicts (2 of 4 stars). 2 submissions from 2 submitters: Benign (1); Likely benign (1). Last evaluated 2026-08-25.

Conditions:
Lynch syndrome 4 (LYNCH4). Also called: Hereditary non-polyposis colorectal cancer, type 4; Colorectal cancer, hereditary nonpolyposis, type 4. Identifiers: Orphanet 144, MedGen C1838333, MONDO:0013699, OMIM 614337. Disease mechanism: loss of function.
Hereditary cancer-predisposing syndrome. Also called: Hereditary Cancer Syndrome; Hereditary neoplastic syndrome; Neoplastic Syndromes, Hereditary; Tumor predisposition. Identifiers: Orphanet 140162, MedGen C0027672, MeSH D009386, MONDO:0015356.

Submissions (2):

Ambry Genetics
Classification: Likely benign for Hereditary cancer-predisposing syndrome. Last evaluated: 2026-08-25. Review status: criteria provided, single submitter. Criteria: Ambry Variant Classification Scheme 2023. Collection method: clinical testing. Allele origin: germline.

Myriad Genetics, Inc.
Classification: Benign for Lynch syndrome 4. Last evaluated: 2025-01-29. Review status: criteria provided, single submitter. Criteria: Myriad Autosomal Dominant, Autosomal Recessive and X-Linked Classification Criteria (2023). Collection method: clinical testing. Allele origin: unknown.
Comment: This variant is considered benign. This variant is a silent/synonymous amino acid change and it is not expected to impact splicing.